The following is an entry in ClinVar:

NM_006766.5(KAT6A):c.3505C>T (p.Arg1169Ter)

Gene: KAT6A (lysine acetyltransferase 6A; minus strand). Cytogenetic location: 8p11.21.
Variant type: single nucleotide variant.
Coding change: c.3505C>T on transcript NM_006766.5 (MANE Select); coding-DNA position 3505, C replaced by T.
Protein change: p.Arg1169Ter; replaces arginine 1169 with a stop codon.
Molecular consequence: nonsense.
Genome position (GRCh38, 1-based): chr8:41,934,715, G>A on the plus strand (C>T on the coding strand, the complement: KAT6A is on the minus strand). VCF-style: chr8-41934715-G-A. GRCh37 (hg19) VCF-style: chr8-41792233-G-A.
Other names: short protein forms R1169*.
Identifiers: ClinVar variation 280873 (VCV000280873.10), dbSNP rs886042000, ClinGen allele CA10603078.

ClinVar aggregate classification (germline): Conflicting classifications of pathogenicity. Review status: criteria provided, conflicting classifications (1 of 4 stars). 6 submissions from 6 submitters: Pathogenic (3); Likely pathogenic (1); Uncertain significance (1). 1 of the submissions does not count toward it. Last evaluated 2023-03-11.

Conditions:
KAT6A-related disorder. Also called: KAT6A-related condition.
Autosomal dominant intellectual disability-craniofacial anomalies-cardiac defects syndrome (ARTHS). Also called: Arboleda-Tham syndrome; KAT6A syndrome; Mental retardation, autosomal dominant 32. Identifiers: Orphanet 457193, MedGen C4225396, MONDO:0014558, OMIM 616268.
Intellectual disability. Also called: intellectual disabilities; Intellectual functioning disability; Intellectual developmental disorder. Identifiers: MedGen C3714756, MeSH D008607, MONDO:0001071, HP:0001249.

Submissions (6):

Labcorp Genetics (formerly Invitae), Labcorp
Classification: Pathogenic. Last evaluated: 2023-03-11. Review status: criteria provided, single submitter. Criteria: Invitae Variant Classification Sherloc (09022015). Collection method: clinical testing. Allele origin: germline.
Comment: For these reasons, this variant has been classified as Pathogenic. This variant disrupts a region of the KAT6A protein in which other variant(s) (p.Gly1549Ser) have been determined to be pathogenic (PMID: 30245513, 34748993). This suggests that this is a clinically significant region of the protein, and that variants that disrupt it are likely to be disease-causing. ClinVar contains an entry for this variant (Variation ID: 280873). This variant has not been reported in the literature in individuals affected with KAT6A-related conditions. This variant is not present in population databases (gnomAD no frequency). This sequence change creates a premature translational stop signal (p.Arg1169*) in the KAT6A gene. While this is not anticipated to result in nonsense mediated decay, it is expected to disrupt the last 836 amino acid(s) of the KAT6A protein.

MGZ Medical Genetics Center
Classification: Likely pathogenic for Autosomal dominant intellectual disability-craniofacial anomalies-cardiac defects syndrome. Last evaluated: 2022-04-06. Review status: criteria provided, single submitter. Criteria: ACMG Guidelines, 2015. Collection method: clinical testing. Allele origin: germline. Affected: yes. Observed: 1 variant allele.
Comment: ACMG criteria applied: PS2, PVS1_MOD, PM2_SUP

Blueprint Genetics
Classification: Pathogenic for KAT6A-related disorders. Last evaluated: 2020-07-14. Review status: criteria provided, single submitter. Criteria: ACMG Guidelines, 2015. Collection method: clinical testing. Allele origin: germline. Affected: yes. Observed: 4 variant alleles.

Diagnostic Laboratory, Strasbourg University Hospital
Classification: Uncertain significance for Intellectual disability. Last evaluated: 2020-04-20. Review status: criteria provided, single submitter. Criteria: ACMG Guidelines, 2015. Collection method: clinical testing. Allele origin: maternal. Inheritance: Autosomal dominant inheritance. Affected: yes. Observed: 1 heterozygote.

GeneDx
Classification: Pathogenic. Last evaluated: 2019-11-27. Review status: criteria provided, single submitter. Criteria: GeneDx Variant Classification Process June 2021. Collection method: clinical testing. Allele origin: germline. Affected: yes.
Comment: Nonsense variant predicted to result in protein truncation in a gene for which loss-of-function is a known mechanism of disease; Not observed in large population cohorts (Lek et al., 2016); This variant is associated with the following publications: (PMID: 27959697, 31101064)

Baylor Genetics
Classification: Likely pathogenic for Autosomal dominant intellectual disability-craniofacial anomalies-cardiac defects syndrome. Last evaluated: 2015-05-23. Review status: no assertion criteria provided. Collection method: clinical testing. Allele origin: paternal. Inheritance: Autosomal dominant inheritance. Observed: 1 variant allele, 1 heterozygote. Not counted in ClinVar's aggregate classification.

Literature cited by the submitters: PubMed 30245513 (cited by Labcorp Genetics (formerly Invitae), Labcorp); PubMed 34748993 (cited by Labcorp Genetics (formerly Invitae), Labcorp).